The following is an entry in ClinVar:

NM_001267550.2(TTN):c.42512A>G (p.His14171Arg)

Gene: TTN (titin; minus strand). Cytogenetic location: 2q31.2.
Variant type: single nucleotide variant.
Coding change: c.42512A>G on transcript NM_001267550.2 (MANE Select); coding-DNA position 42512, A replaced by G.
Protein change: p.His14171Arg; replaces histidine 14171 with arginine.
Molecular consequence: missense variant.
Genome position (GRCh38, 1-based): chr2:178,633,987, T>C on the plus strand (A>G on the coding strand, the complement: TTN is on the minus strand). VCF-style: chr2-178633987-T-C. GRCh37 (hg19) VCF-style: chr2-179498714-T-C.
Other names: c.37589A>G, p.His12530Arg (NM_001256850.1); c.15317A>G, p.His5106Arg (NM_003319.4); c.34808A>G, p.His11603Arg (NM_133378.4); c.15692A>G, p.His5231Arg (NM_133432.3); c.15893A>G, p.His5298Arg (NM_133437.4); c.42512A>G (NM_001267550.1); short protein forms H11603R, H12530R, H14171R, H5106R, H5231R, H5298R.
Identifiers: ClinVar variation 1305496 (VCV001305496.3), dbSNP rs1288547551, ClinGen allele CA349654669.
Genomic context (GRCh38, chr2:178,633,987, plus strand): 5'-GAAGAGATGAGTACTGTTCTGCTTGTATGGAGTTTGGCATCATTTTTGAACCAGACTACA[T>C]GCATTTTTTCATGAGAAAGTTCACAAACAAAAGTTGCTGTTTCACCTTCTTTTACTGTTT-3'
Protein context (NP_001254479.2, residues 14161-14181): FVCELSHEKM[His14171Arg]VVWFKNDAKL

ClinVar aggregate classification (germline): Uncertain significance (1 of 4 stars; one submission).

Allele frequency attached by ClinVar (database versions not stated): gnomAD exomes below 0.00001 and 0.00001; TOPMed below 0.00001; gnomAD 0.00001.
gnomAD v4.1: 8 of 1,613,270 alleles (0.0005%); highest among the groups gnomAD compares: Non-Finnish European, 0.00068%; no homozygotes.

Submission:

GeneDx
Classification: Uncertain significance. Last evaluated: 2024-10-23. Review status: criteria provided, single submitter. Criteria: GeneDx Variant Classification Process June 2021. Collection method: clinical testing. Allele origin: germline. Affected: yes.
Comment: Not observed at significant frequency in large population cohorts (gnomAD); Missense variant in a gene in which most reported pathogenic variants are truncating/loss of function; Has not been previously published as pathogenic or benign to our knowledge